The following is an entry in ClinVar:

NM_003803.4(MYOM1):c.684C>T (p.Ser228=)

Gene: MYOM1 (myomesin 1; minus strand). Cytogenetic location: 18p11.31.
Variant type: single nucleotide variant.
Coding change: c.684C>T on transcript NM_003803.4 (MANE Select); coding-DNA position 684, C replaced by T.
Protein change: p.Ser228=; no amino-acid change (serine 228 retained).
Molecular consequence: synonymous variant.
Genome position (GRCh38, 1-based): chr18:3,188,835, G>A on the plus strand (C>T on the coding strand, the complement: MYOM1 is on the minus strand). VCF-style: chr18-3188835-G-A. GRCh37 (hg19) VCF-style: chr18-3188833-G-A.
Other names: c.684C>T, p.Ser228= (NM_019856.2).
Identifiers: ClinVar variation 239581 (VCV000239581.17), dbSNP rs188155898, ClinGen allele CA8875177.
Genomic context (GRCh38, chr18:3,188,835, plus strand): 5'-CTTTTCTCGAATCACAACTTTCCTTGACTTCTTTTCAGAAGTTTCTTCCTGTTGAAGAGC[G>A]GATGTGGCCTGTTTGGAAACCACAGACTGCCTGGATGCCGTGGACTGCCTGGATGCCGTG-3'
Protein context (NP_003794.3, residues 218-238): RQSVVSKQAT[Ser228=]ALQQEETSEK

ClinVar aggregate classification (germline): Benign/Likely benign. Review status: criteria provided, multiple submitters, no conflicts (2 of 4 stars). 4 submissions from 4 submitters: Benign (2); Likely benign (1). 1 of the submissions does not count toward it. Last evaluated 2026-01-16.

Conditions:
MYOM1-related disorder.
Hypertrophic cardiomyopathy. Also called: HYPERTROPHIC MYOCARDIOPATHY. Identifiers: Orphanet 217569, MedGen C0007194, MeSH D002312, MONDO:0005045, HP:0001639.

Allele frequency attached by ClinVar (database versions not stated): gnomAD exomes 0.00017 and 0.00042; ExAC 0.00059; gnomAD 0.00152 and 0.00160; TOPMed 0.00159; 1000 Genomes Project 0.00160; ESP Exome Variant Server 0.00179; 1000 Genomes Project 30x 0.00203.
gnomAD v4.1: 486 of 1,613,026 alleles (0.03%); highest among the groups gnomAD compares: African/African-American, 0.53%; 1 homozygote.

Submissions (4):

Labcorp Genetics (formerly Invitae), Labcorp
Classification: Benign for Hypertrophic cardiomyopathy. Last evaluated: 2026-01-16. Review status: criteria provided, single submitter. Criteria: Invitae Variant Classification Sherloc (09022015). Collection method: clinical testing. Allele origin: germline.

Ambry Genetics
Classification: Likely benign. Last evaluated: 2022-02-14. Review status: criteria provided, single submitter. Criteria: Ambry Variant Classification Scheme 2023. Collection method: clinical testing. Allele origin: germline.

Breakthrough Genomics
Classification: Benign. Review status: criteria provided, single submitter. Criteria: ACMG Guidelines, 2015. Collection method: not provided. Allele origin: germline. Inheritance: Unknown mechanism. Affected: yes.

PreventionGenetics, part of Exact Sciences
Classification: Likely benign for MYOM1-related condition. Last evaluated: 2019-08-14. Review status: no assertion criteria provided. Collection method: clinical testing. Allele origin: germline. Not counted in ClinVar's aggregate classification.
Comment: This variant is classified as likely benign based on ACMG/AMP sequence variant interpretation guidelines (Richards et al. 2015 PMID: 25741868, with internal and published modifications).